The following is an entry in ClinVar:

NM_001145715.3(KPNA7):c.636+3A>T

Gene: KPNA7 (karyopherin subunit alpha 7; minus strand). Cytogenetic location: 7q22.1.
Variant type: single nucleotide variant.
Coding change: c.636+3A>T on transcript NM_001145715.3 (MANE Select); 3 bases into the intron after coding-DNA position 636, A replaced by T.
Molecular consequence: intron variant.
Genome position (GRCh38, 1-based): chr7:99,193,016, T>A on the plus strand (A>T on the coding strand, the complement: KPNA7 is on the minus strand). VCF-style: chr7-99193016-T-A. GRCh37 (hg19) VCF-style: chr7-98790639-T-A.
Identifiers: ClinVar variation 1367288 (VCV001367288.6), dbSNP rs2150745439, ClinGen allele CA2573142534.

ClinVar aggregate classification (germline): Uncertain significance (1 of 4 stars; one submission).

Submission:

Labcorp Genetics (formerly Invitae), Labcorp
Classification: Uncertain significance. Last evaluated: 2024-02-24. Review status: criteria provided, single submitter. Criteria: Invitae Variant Classification Sherloc (09022015). Collection method: clinical testing. Allele origin: germline.
Comment: This sequence change falls in intron 5 of the KPNA7 gene. It does not directly change the encoded amino acid sequence of the KPNA7 protein. It affects a nucleotide within the consensus splice site. This variant is not present in population databases (gnomAD no frequency). This variant has not been reported in the literature in individuals affected with KPNA7-related conditions. ClinVar contains an entry for this variant (Variation ID: 1367288). Variants that disrupt the consensus splice site are a relatively common cause of aberrant splicing (PMID: 17576681, 9536098). Algorithms developed to predict the effect of sequence changes on RNA splicing suggest that this variant is not likely to affect RNA splicing. In summary, the available evidence is currently insufficient to determine the role of this variant in disease. Therefore, it has been classified as a Variant of Uncertain Significance.

Literature cited by the submitters: PubMed 17576681; PubMed 9536098.